The following is an entry in ClinVar:

NM_001330360.2(POLA1):c.47T>C (p.Leu16Pro)

Gene: POLA1 (DNA polymerase alpha 1, catalytic subunit; plus strand). Cytogenetic location: Xp22.11.
Variant type: single nucleotide variant.
Coding change: c.47T>C on transcript NM_001330360.2 (MANE Select); coding-DNA position 47, T replaced by C.
Protein change: p.Leu16Pro; replaces leucine 16 with proline.
Molecular consequence: missense variant. On other transcripts: non-coding transcript variant (2).
Genome position (GRCh38, 1-based): chrX:24,699,428, T>C. VCF-style: chrX-24699428-T-C. GRCh37 (hg19) VCF-style: chrX-24717545-T-C.
Other names: c.47T>C, p.Leu16Pro (NM_001378303.1); c.29T>C, p.Leu10Pro (NM_016937.4); short protein forms L10P, L16P.
Identifiers: ClinVar variation 2446675 (VCV002446675.3), dbSNP rs746408076, ClinGen allele CA10372702.
Genomic context (GRCh38, chrX:24,699,428, plus strand): 5'-AGGGAAGATGGCTGACAATTTTGTAACATCTGTTGTAAATTTTTTTTCTTTTTTCAGCTC[T>C]GTCAGATTCAGGGAGTTTTGTATCTTCTCGAGCCCGGCGAGAAAAAAAATCAAAGAAGGG-3'
Protein context (NP_001317289.1, residues 6-26): GDDCEIGASA[Leu16Pro]SDSGSFVSSR

ClinVar aggregate classification (germline): Uncertain significance (1 of 4 stars; one submission).

Allele frequency attached by ClinVar (database versions not stated): gnomAD exomes below 0.00001; ExAC 0.00002.
gnomAD v4.1: 2 of 1,159,944 alleles (0.00017%); highest among the groups gnomAD compares: Admixed American, 0.005%; no homozygotes.

Submission:

GeneDx
Classification: Uncertain significance. Last evaluated: 2026-01-23. Review status: criteria provided, single submitter. Criteria: GeneDx Variant Classification Process June 2021. Collection method: clinical testing. Allele origin: germline. Affected: yes.
Comment: In silico analysis suggests that this missense variant does not alter protein structure/function; Has not been previously published as pathogenic or benign to our knowledge